The following is an entry in ClinVar:

ClinVar aggregate classification (germline): Uncertain significance. Review status: criteria provided, multiple submitters, no conflicts (2 of 4 stars). 5 submissions from 5 submitters: Uncertain significance (4). 1 of the submissions does not count toward it. Last evaluated 2026-09-15.

Conditions:
CLRN1-related disorder. Also called: CLRN1-related condition.
Retinal dystrophy. Also called: Inherited retinal dystrophy. Identifiers: Orphanet 71862, MedGen C0854723, MeSH D058499, MONDO:0019118, HP:0000556.

Allele frequency attached by ClinVar (database versions not stated): ExAC 0.00004; gnomAD exomes 0.00006; gnomAD 0.00007; TOPMed 0.00008.
gnomAD v4.1: 138 of 1,613,948 alleles (0.0086%); highest among the groups gnomAD compares: Middle Eastern, 0.15%; no homozygotes.

Submissions (5):

PreventionGenetics, part of Exact Sciences
Classification: Uncertain significance for CLRN1-related condition. Last evaluated: 2026-09-15. Review status: criteria provided, single submitter. Criteria: ACMG Guidelines, 2015. Collection method: clinical testing. Allele origin: germline.
Comment: The CLRN1 c.401C>T variant is predicted to result in the amino acid substitution p.Pro134Leu. To our knowledge, this variant has not been reported in the literature. This variant is reported in 0.014% of alleles in individuals of Latino descent in gnomAD. At this time, the clinical significance of this variant is uncertain due to the absence of conclusive functional and genetic evidence.

Blueprint Genetics
Classification: Uncertain significance. Last evaluated: 2024-07-22. Review status: criteria provided, single submitter. Criteria: ACMG Guidelines, 2015. Collection method: clinical testing. Allele origin: germline.

Labcorp Genetics (formerly Invitae), Labcorp
Classification: Uncertain significance. Last evaluated: 2022-10-25. Review status: criteria provided, single submitter. Criteria: Invitae Variant Classification Sherloc (09022015). Collection method: clinical testing. Allele origin: germline.
Comment: This sequence change replaces proline, which is neutral and non-polar, with leucine, which is neutral and non-polar, at codon 134 of the CLRN1 protein (p.Pro134Leu). This variant is present in population databases (rs768357756, gnomAD 0.01%). This variant has not been reported in the literature in individuals affected with CLRN1-related conditions. ClinVar contains an entry for this variant (Variation ID: 1378046). Algorithms developed to predict the effect of missense changes on protein structure and function are either unavailable or do not agree on the potential impact of this missense change (SIFT: "Deleterious"; PolyPhen-2: "Probably Damaging"; Align-GVGD: "Class C0"). In summary, the available evidence is currently insufficient to determine the role of this variant in disease. Therefore, it has been classified as a Variant of Uncertain Significance.

Breakthrough Genomics
Classification: Uncertain significance. Review status: criteria provided, single submitter. Criteria: ACMG Guidelines, 2015. Collection method: not provided. Allele origin: germline. Inheritance: Autosomal recessive inheritance. Affected: yes.

Institute of Human Genetics, Univ. Regensburg, Univ. Regensburg
Classification: Uncertain significance for Retinal dystrophy. Last evaluated: 2022-01-01. Review status: no assertion criteria provided. Criteria: ACMG Guidelines, 2015. Collection method: clinical testing. Allele origin: germline. Affected: yes. Not counted in ClinVar's aggregate classification.

NM_174878.3(CLRN1):c.401C>T (p.Pro134Leu)

Gene: CLRN1 (clarin 1; minus strand). Cytogenetic location: 3q25.1.
Variant type: single nucleotide variant.
Coding change: c.401C>T on transcript NM_174878.3 (MANE Select); coding-DNA position 401, C replaced by T.
Protein change: p.Pro134Leu; replaces proline 134 with leucine.
Molecular consequence: missense variant. On other transcripts: 3 prime UTR variant (1), non-coding transcript variant (1).
Genome position (GRCh38, 1-based): chr3:150,941,614, G>A on the plus strand (C>T on the coding strand, the complement: CLRN1 is on the minus strand). VCF-style: chr3-150941614-G-A. GRCh37 (hg19) VCF-style: chr3-150659401-G-A.
Other names: c.401C>T, p.Pro134Leu (NM_001195794.1); c.*15C>T (NM_001256819.2); c.173C>T, p.Pro58Leu (NM_052995.2); short protein forms P134L, P58L.
Identifiers: ClinVar variation 1378046 (VCV001378046.7), dbSNP rs768357756, ClinGen allele CA2666071.